The following is an entry in ClinVar:

NM_024426.6(WT1):c.121C>T (p.Pro41Ser)

Genes: WT1 (WT1 transcription factor; minus strand), LOC107982234 (WT1/WT1-AS bi-directional promoter region; plus strand). Cytogenetic location: 11p13.
Variant type: single nucleotide variant.
Coding change: c.121C>T on transcript NM_024426.6 (MANE Select); coding-DNA position 121, C replaced by T.
Protein change: p.Pro41Ser; replaces proline 41 with serine.
Molecular consequence: missense variant. On other transcripts: non-coding transcript variant (1).
Genome position (GRCh38, 1-based): chr11:32,435,240, G>A on the plus strand (C>T on the coding strand, the complement: WT1 is on the minus strand). VCF-style: chr11-32435240-G-A. GRCh37 (hg19) VCF-style: chr11-32456786-G-A.
Other names: c.121C>T, p.Pro41Ser (NM_000378.6, NM_024424.5); short protein forms P41S.
Identifiers: ClinVar variation 476676 (VCV000476676.12), dbSNP rs926668379, ClinGen allele CA219511447.

ClinVar aggregate classification (germline): Conflicting classifications of pathogenicity. Review status: criteria provided, conflicting classifications (1 of 4 stars). 3 submissions from 3 submitters: Uncertain significance (2); Likely benign (1). Last evaluated 2025-03-05.

Conditions:
Wilms tumor 1 (WT1). Also called: Wilms tumor, somatic. Identifiers: Orphanet 654, MedGen CN033288, MONDO:0008679, OMIM 194070.
Drash syndrome (DDS). Also called: NEPHROPATHY, WILMS TUMOR, AND GENITAL ANOMALIES; WILMS TUMOR AND PSEUDO- OR TRUE HERMAPHRODITISM. Identifiers: Orphanet 220, MedGen C0950121, MONDO:0008682, OMIM 194080.
11p partial monosomy syndrome (WAGR). Also called: WAGR Spectrum Disorder; CHROMOSOME 11p13 DELETION SYNDROME; WAGR syndrome; WAGR Complex. Identifiers: Orphanet 893, MedGen C0206115, MONDO:0008681, OMIM 194072.
Frasier syndrome. Identifiers: Orphanet 347, MedGen C0950122, MeSH D052159, MONDO:0007635, OMIM 136680.
Inborn genetic diseases. Identifiers: MedGen C0950123, MeSH D030342.

Allele frequency attached by ClinVar (database versions not stated): TOPMed 0.00001; gnomAD 0.00006.
gnomAD v4.1: 5 of 1,535,994 alleles (0.00033%); highest among the groups gnomAD compares: African/African-American, 0.0041%; no homozygotes.

Submissions (3):

Ambry Genetics
Classification: Likely benign for Inborn genetic diseases. Last evaluated: 2025-03-05. Review status: criteria provided, single submitter. Criteria: Ambry Variant Classification Scheme 2023. Collection method: clinical testing. Allele origin: germline.

GeneDx
Classification: Uncertain significance. Last evaluated: 2024-07-23. Review status: criteria provided, single submitter. Criteria: GeneDx Variant Classification Process June 2021. Collection method: clinical testing. Allele origin: germline. Affected: yes.
Comment: In silico analysis indicates that this missense variant does not alter protein structure/function; Has not been previously published as pathogenic or benign to our knowledge

Labcorp Genetics (formerly Invitae), Labcorp
Classification: Uncertain significance for Wilms tumor 1; Drash syndrome; 11p partial monosomy syndrome; Frasier syndrome. Last evaluated: 2024-05-10. Review status: criteria provided, single submitter. Criteria: Invitae Variant Classification Sherloc (09022015). Collection method: clinical testing. Allele origin: germline.
Comment: This sequence change replaces proline, which is neutral and non-polar, with serine, which is neutral and polar, at codon 36 of the WT1 protein (p.Pro36Ser). The frequency data for this variant in the population databases is considered unreliable, as metrics indicate poor data quality at this position in the gnomAD database. This variant has not been reported in the literature in individuals affected with WT1-related conditions. ClinVar contains an entry for this variant (Variation ID: 476676). Algorithms developed to predict the effect of missense changes on protein structure and function output the following: SIFT: "Not Available"; PolyPhen-2: "Benign"; Align-GVGD: "Not Available". The serine amino acid residue is found in multiple mammalian species, which suggests that this missense change does not adversely affect protein function. In summary, the available evidence is currently insufficient to determine the role of this variant in disease. Therefore, it has been classified as a Variant of Uncertain Significance.